The following is an entry in ClinVar:

NM_001267550.2(TTN):c.6439G>A (p.Ala2147Thr)

Gene: TTN (titin; minus strand). Cytogenetic location: 2q31.2.
Variant type: single nucleotide variant.
Coding change: c.6439G>A on transcript NM_001267550.2 (MANE Select); coding-DNA position 6439, G replaced by A.
Protein change: p.Ala2147Thr; replaces alanine 2147 with threonine.
Molecular consequence: missense variant.
Genome position (GRCh38, 1-based): chr2:178,775,425, C>T on the plus strand (G>A on the coding strand, the complement: TTN is on the minus strand). VCF-style: chr2-178775425-C-T. GRCh37 (hg19) VCF-style: chr2-179640152-C-T.
Other names: c.6439G>A, p.Ala2147Thr (NM_001256850.1, NM_133378.4, NM_133379.5); c.6301G>A, p.Ala2101Thr (NM_003319.4, NM_133432.3, NM_133437.4); short protein forms A2101T, A2147T.
Identifiers: ClinVar variation 1752731 (VCV001752731.5), dbSNP rs528516043, ClinGen allele CA2005047.
Genomic context (GRCh38, chr2:178,775,425, plus strand): 5'-GTAAGAATGCGTGACTGGAGGTTTCTCCAGCTATGTTGATGGCTTTTACCATGATGCTGG[C>T]AGAGTCCTCAGCAGTCACATCTCTTATGACCAATTCACAAACATTGTCTTCGGGCCAGTA-3'
Protein context (NP_001254479.2, residues 2137-2157): VIRDVTAEDS[Ala2147Thr]SIMVKAINIA

ClinVar aggregate classification (germline): Uncertain significance. Review status: criteria provided, multiple submitters, no conflicts (2 of 4 stars). 2 submissions from 2 submitters: Uncertain significance (2). Last evaluated 2022-07-01.

Conditions:
Cardiovascular phenotype. Identifiers: MedGen CN230736.

Allele frequency attached by ClinVar (database versions not stated): gnomAD exomes below 0.00001; ExAC 0.00001; gnomAD 0.00001; 1000 Genomes Project 30x 0.00016; 1000 Genomes Project 0.00020.
gnomAD v4.1: 4 of 1,614,038 alleles (0.00025%); highest among the groups gnomAD compares: Non-Finnish European, 0.00034%; no homozygotes.

Submissions (2):

Revvity Omics, Revvity
Classification: Uncertain significance. Last evaluated: 2022-07-01. Review status: criteria provided, single submitter. Criteria: ACMG Guidelines, 2015. Collection method: clinical testing. Allele origin: germline.

Ambry Genetics
Classification: Uncertain significance for Cardiovascular phenotype. Last evaluated: 2019-09-09. Review status: criteria provided, single submitter. Criteria: Ambry Variant Classification Scheme 2023. Collection method: clinical testing. Allele origin: germline.
Comment: The p.A2101T variant (also known as c.6301G>A), located in coding exon 26 of the TTN gene, results from a G to A substitution at nucleotide position 6301. The alanine at codon 2101 is replaced by threonine, an amino acid with similar properties. This amino acid position is well conserved in available vertebrate species. In addition, this alteration is predicted to be tolerated by in silico analysis. Since supporting evidence is limited at this time, the clinical significance of this alteration remains unclear.